The following is an entry in ClinVar:

ClinVar aggregate classification (germline): Uncertain significance (1 of 4 stars; one submission).

Submission:

Ambry Genetics
Classification: Uncertain significance. Last evaluated: 2025-04-11. Review status: criteria provided, single submitter. Criteria: Ambry Variant Classification Scheme 2023. Collection method: clinical testing. Allele origin: germline.
Comment: The p.M1178V variant (also known as c.3532A>G), located in coding exon 31 of the KIF1B gene, results from an A to G substitution at nucleotide position 3532. The methionine at codon 1178 is replaced by valine, an amino acid with highly similar properties. This amino acid position is conserved. In addition, the in silico prediction for this alteration is inconclusive. Based on the available evidence, the clinical significance of this variant remains unclear.

NM_001365951.3(KIF1B):c.3670A>G (p.Met1224Val)

Gene: KIF1B (kinesin family member 1B; plus strand). Cytogenetic location: 1p36.22.
Variant type: single nucleotide variant.
Coding change: c.3670A>G on transcript NM_001365951.3 (MANE Select); coding-DNA position 3670, A replaced by G.
Protein change: p.Met1224Val; replaces methionine 1224 with valine.
Molecular consequence: missense variant.
Genome position (GRCh38, 1-based): chr1:10,343,269, A>G. VCF-style: chr1-10343269-A-G. GRCh37 (hg19) VCF-style: chr1-10403327-A-G.
Other names: c.3670A>G, p.Met1224Val (NM_001365952.1); c.3532A>G, p.Met1178Val (NM_015074.3); short protein forms M1178V, M1224V.
Identifiers: ClinVar variation 4043104 (VCV004043104.1).
Genomic context (GRCh38, chr1:10,343,269, plus strand): 5'-TCTTTGTCTTCCTTTCTTTGCAGTCCGCCTCAGCCGTGCCGCCGATTCTTCCCTCCACCC[A>G]TGCCACTGTCCAAGCCAGGTGAGCACTCGCTCCGCTTTTTGCATGATGATCTCTTTGTGA-3'
Protein context (NP_001352880.1, residues 1214-1234): QPCRRFFPPP[Met1224Val]PLSKPVPATK